The following is an entry in ClinVar:

ClinVar aggregate classification (germline): Conflicting classifications of pathogenicity. Review status: criteria provided, conflicting classifications (1 of 4 stars). 2 submissions from 2 submitters: Uncertain significance (1); Likely benign (1). Last evaluated 2025-07-02.

Conditions:
Hereditary cancer-predisposing syndrome. Also called: Tumor predisposition; Hereditary neoplastic syndrome; Neoplastic Syndromes, Hereditary; Hereditary Cancer Syndrome. Identifiers: Orphanet 140162, MedGen C0027672, MeSH D009386, MONDO:0015356.

gnomAD v4.1: 1 of 1,547,724 alleles (0.000065%); highest among the groups gnomAD compares: Middle Eastern, 0.023%; no homozygotes.

Submissions (2):

Labcorp Genetics (formerly Invitae), Labcorp
Classification: Uncertain significance. Last evaluated: 2025-07-02. Review status: criteria provided, single submitter. Criteria: Invitae Variant Classification Sherloc (09022015). Collection method: clinical testing. Allele origin: germline.
Comment: This sequence change replaces alanine, which is neutral and non-polar, with serine, which is neutral and polar, at codon 20 of the FH protein (p.Ala20Ser). This variant is present in population databases (rs572324497, gnomAD 0.002%). This variant has not been reported in the literature in individuals affected with FH-related conditions. ClinVar contains an entry for this variant (Variation ID: 2158854). Invitae Evidence Modeling of protein sequence and biophysical properties (such as structural, functional, and spatial information, amino acid conservation, physicochemical variation, residue mobility, and thermodynamic stability) indicates that this missense variant is not expected to disrupt FH protein function with a negative predictive value of 95%. In summary, the available evidence is currently insufficient to determine the role of this variant in disease. Therefore, it has been classified as a Variant of Uncertain Significance.

Ambry Genetics
Classification: Likely benign for Hereditary cancer-predisposing syndrome. Last evaluated: 2023-12-14. Review status: criteria provided, single submitter. Criteria: Ambry Variant Classification Scheme 2023. Collection method: clinical testing. Allele origin: germline.

NM_000143.4(FH):c.58G>T (p.Ala20Ser)

Gene: FH (fumarate hydratase; minus strand). Cytogenetic location: 1q43.
Variant type: single nucleotide variant.
Coding change: c.58G>T on transcript NM_000143.4 (MANE Select); coding-DNA position 58, G replaced by T.
Protein change: p.Ala20Ser; replaces alanine 20 with serine.
Molecular consequence: missense variant.
Genome position (GRCh38, 1-based): chr1:241,519,665, C>A on the plus strand (G>T on the coding strand, the complement: FH is on the minus strand). VCF-style: chr1-241519665-C-A. GRCh37 (hg19) VCF-style: chr1-241682965-C-A.
Other names: short protein forms A20S.
Identifiers: ClinVar variation 2158854 (VCV002158854.4), dbSNP rs572324497, ClinGen allele CA1478778.